The following is an entry in ClinVar:

ClinVar aggregate classification (germline): Pathogenic. Review status: criteria provided, multiple submitters, no conflicts (2 of 4 stars). 3 submissions from 3 submitters: Pathogenic (3). Last evaluated 2024-02-09.

Conditions:
Hereditary cancer-predisposing syndrome. Also called: Neoplastic Syndromes, Hereditary; Hereditary Cancer Syndrome; Hereditary neoplastic syndrome; Tumor predisposition. Identifiers: Orphanet 140162, MedGen C0027672, MeSH D009386, MONDO:0015356.
Familial thoracic aortic aneurysm and aortic dissection (TAAD). Also called: Thoracic aortic aneurysms and dissections. Identifiers: Orphanet 91387, MedGen C4707243, MONDO:0019625.
Juvenile polyposis syndrome (JPS). Identifiers: Orphanet 2929, MedGen C0345893, MONDO:0017380, OMIM 174900.
Juvenile polyposis/hereditary hemorrhagic telangiectasia syndrome (JPHT). Also called: POLYPOSIS, GENERALIZED JUVENILE, WITH PULMONARY ARTERIOVENOUS MALFORMATION; TELANGIECTASIA, HEREDITARY HEMORRHAGIC, WITH JUVENILE POLYPOSIS COLI; Juvenile Polyposis Syndrome / Hereditary Hemorrhagic Telangiectasia (JPS/HHT); JP/HHT SYNDROME; JUVENILE POLYPOSIS WITH HEREDITARY HEMORRHAGIC TELANGIECTASIA. Identifiers: Orphanet 2929, MedGen C1832942, MONDO:0008278, OMIM 175050.

Submissions (3):

Myriad Genetics, Inc.
Classification: Pathogenic for Juvenile polyposis/hereditary hemorrhagic telangiectasia syndrome. Last evaluated: 2024-02-09. Review status: criteria provided, single submitter. Criteria: Myriad Autosomal Dominant, Autosomal Recessive and X-Linked Classification Criteria (2023). Collection method: clinical testing. Allele origin: unknown.
Comment: This variant is considered pathogenic. This variant creates a termination codon and is predicted to result in premature protein truncation.

Labcorp Genetics (formerly Invitae), Labcorp
Classification: Pathogenic for Juvenile polyposis syndrome. Last evaluated: 2022-10-10. Review status: criteria provided, single submitter. Criteria: Invitae Variant Classification Sherloc (09022015). Collection method: clinical testing. Allele origin: germline.
Comment: For these reasons, this variant has been classified as Pathogenic. ClinVar contains an entry for this variant (Variation ID: 460552). This sequence change creates a premature translational stop signal (p.Ser154*) in the SMAD4 gene. It is expected to result in an absent or disrupted protein product. Loss-of-function variants in SMAD4 are known to be pathogenic (PMID: 16152648, 16436638, 22810475). This variant is not present in population databases (gnomAD no frequency). This variant has not been reported in the literature in individuals affected with SMAD4-related conditions.

Ambry Genetics
Classification: Pathogenic for Hereditary cancer-predisposing syndrome; Familial thoracic aortic aneurysm and aortic dissection. Last evaluated: 2019-09-04. Review status: criteria provided, single submitter. Criteria: Ambry Variant Classification Scheme 2023. Collection method: clinical testing. Allele origin: germline.
Comment: The p.S154* pathogenic mutation (also known as c.461C>G), located in coding exon 4 of the SMAD4 gene, results from a C to G substitution at nucleotide position 461. This changes the amino acid from a serine to a stop codon within coding exon 4. This alteration is expected to result in loss of function by premature protein truncation or nonsense-mediated mRNA decay. As such, this alteration is interpreted as a disease-causing mutation.

Literature cited by the submitters: PubMed 16152648 (cited by Labcorp Genetics (formerly Invitae), Labcorp); PubMed 16436638 (cited by Labcorp Genetics (formerly Invitae), Labcorp); PubMed 22810475 (cited by Labcorp Genetics (formerly Invitae), Labcorp).

NM_005359.6(SMAD4):c.461C>G (p.Ser154Ter)

Gene: SMAD4 (SMAD family member 4; plus strand). Cytogenetic location: 18q21.2.
Variant type: single nucleotide variant.
Coding change: c.461C>G on transcript NM_005359.6 (MANE Select); coding-DNA position 461, C replaced by G.
Protein change: p.Ser154Ter; replaces serine 154 with a stop codon.
Molecular consequence: nonsense.
Genome position (GRCh38, 1-based): chr18:51,054,787, C>G. VCF-style: chr18-51054787-C-G. GRCh37 (hg19) VCF-style: chr18-48581157-C-G.
Other names: short protein forms S154*.
Identifiers: ClinVar variation 460552 (VCV000460552.13), dbSNP rs1555685624, ClinGen allele CA402460591.
Genomic context (GRCh38, chr18:51,054,787, plus strand): 5'-TTTCTGGGAATAGAAGCTTATAAAAATTTAAAATATGTTTAATTTTCTATATAGCTCCAT[C>G]AAGTATGATGGTGAAGGATGAATATGTGCATGACTTTGAGGGACAGCCATCGTTGTCCAC-3'